The following is an entry in ClinVar:

NM_001540.5(HSPB1):c.418C>G (p.Arg140Gly)

Gene: HSPB1 (heat shock protein family B (small) member 1; plus strand). Cytogenetic location: 7q11.23.
Variant type: single nucleotide variant.
Coding change: c.418C>G on transcript NM_001540.5 (MANE Select); coding-DNA position 418, C replaced by G.
Protein change: p.Arg140Gly; replaces arginine 140 with glycine.
Molecular consequence: missense variant.
Genome position (GRCh38, 1-based): chr7:76,303,855, C>G. VCF-style: chr7-76303855-C-G. GRCh37 (hg19) VCF-style: chr7-75933172-C-G.
Other names: c.418C>G, p.Arg140Gly (LRG_248t1); short protein forms R140G.
Identifiers: ClinVar variation 7484 (VCV000007484.37), dbSNP rs121909112, ClinGen allele CA118831.

ClinVar aggregate classification (germline): Pathogenic. Review status: criteria provided, multiple submitters, no conflicts (2 of 4 stars). 12 submissions from 12 submitters: Pathogenic (11). 1 of the submissions does not count toward it. Last evaluated 2025-08-24.

Conditions:
HSPB1-related axonal neuropathies.
Inborn genetic diseases. Identifiers: MedGen C0950123, MeSH D030342.
Neuronopathy, distal hereditary motor, type 2B. Also called: NEURONOPATHY, DISTAL HEREDITARY MOTOR, AUTOSOMAL DOMINANT 3; NEURONOPATHY, DISTAL HEREDITARY MOTOR, HARDING TYPE IIB; NEUROPATHY, DISTAL HEREDITARY MOTOR, HARDING TYPE IIB; HMN IIB. Identifiers: Orphanet 139525, MedGen C2608087, MONDO:0012080, OMIM 608634.
Charcot-Marie-Tooth disease axonal type 2F (CMT2F). Also called: Charcot-Marie-Tooth Neuropathy Type 2F; CHARCOT-MARIE-TOOTH DISEASE, NEURONAL, TYPE 2F. Identifiers: Orphanet 99940, MedGen C1847823, MONDO:0011687, OMIM 606595.
Charcot-Marie-Tooth disease. Also called: Charcot-Marie-Tooth Hereditary Neuropathy; Charcot-Marie-Tooth Neuropathy. Identifiers: Orphanet 166, MedGen C0007959, MONDO:0015626.

Allele frequency attached by ClinVar (database versions not stated): gnomAD exomes below 0.00001.

Submissions (12):

Labcorp Genetics (formerly Invitae), Labcorp
Classification: Pathogenic for Charcot-Marie-Tooth disease axonal type 2F. Last evaluated: 2025-08-24. Review status: criteria provided, single submitter. Criteria: Invitae Variant Classification Sherloc (09022015). Collection method: clinical testing. Allele origin: germline.
Comment: This sequence change replaces arginine, which is basic and polar, with glycine, which is neutral and non-polar, at codon 140 of the HSPB1 protein (p.Arg140Gly). This variant is not present in population databases (gnomAD no frequency). This missense change has been observed in individuals with distal vacuolar myopathy and motor neuropathy and Charcot-Marie-Tooth disease type 2 (CMT2) and distal hereditary motor neuropathy (dHMN) (PMID: 18832141, 27816334, 28702508). ClinVar contains an entry for this variant (Variation ID: 7484). Invitae Evidence Modeling of protein sequence and biophysical properties (such as structural, functional, and spatial information, amino acid conservation, physicochemical variation, residue mobility, and thermodynamic stability) indicates that this missense variant is expected to disrupt HSPB1 protein function with a positive predictive value of 95%. Experimental studies have shown that this missense change affects HSPB1 function (PMID: 23643870, 28595321). For these reasons, this variant has been classified as Pathogenic.

Women's Health and Genetics/Laboratory Corporation of America, LabCorp
Classification: Pathogenic for Charcot-Marie-Tooth disease axonal type 2F. Last evaluated: 2024-12-17. Review status: criteria provided, single submitter. Criteria: LabCorp Variant Classification Summary - May 2015. Collection method: clinical testing. Allele origin: germline.
Comment: Variant summary: HSPB1 c.418C>G (p.Arg140Gly) results in a non-conservative amino acid change located in the Small heat shock protein (sHSP) domain (IPR002068) of the encoded protein sequence. Four of five in-silico tools predict a damaging effect of the variant on protein function. The variant was absent in 249274 control chromosomes. c.418C>G has been reported in the literature in individuals affected with Charcot-Marie-Tooth disease or Distal hereditary motor neuropathy (example, Wu_2022, Khadilkar_2017, Lupo_2016). These data indicate that the variant is likely to be associated with disease. At least one publication reports experimental evidence evaluating an impact on protein function. The most pronounced variant effect results in significantly diminished normal HSPB1 activity, forming aggregates, and loss of the binding with wide-type HspB6 in vitro (Nefedova_2013). The following publications have been ascertained in the context of this evaluation (PMID: 29184351, 28018906, 23948568, 35297556). ClinVar contains an entry for this variant (Variation ID: 7484). Based on the evidence outlined above, the variant was classified as pathogenic.

Revvity Omics, Revvity
Classification: Pathogenic. Last evaluated: 2024-08-30. Review status: criteria provided, single submitter. Criteria: ACMG Guidelines, 2015. Collection method: clinical testing. Allele origin: germline.

Fulgent Genetics
Classification: Pathogenic for Charcot-Marie-Tooth disease axonal type 2F; Neuronopathy, distal hereditary motor, type 2B. Last evaluated: 2024-04-09. Review status: criteria provided, single submitter. Criteria: ACMG Guidelines, 2015. Collection method: clinical testing. Allele origin: germline.

Athena Diagnostics
Classification: Pathogenic. Last evaluated: 2023-06-28. Review status: criteria provided, single submitter. Criteria: Athena Diagnostics Criteria. Collection method: clinical testing. Allele origin: unknown.
Comment: This variant has been identified in multiple unrelated individuals with clinical features associated with CMT or hereditary motor neuropathy. This variant has not been reported in large, multi-ethnic general populations. Assessment of experimental evidence suggests this variant results in abnormal protein function. (PMID: 23643870, 28595321)

GeneDx
Classification: Pathogenic. Last evaluated: 2023-01-26. Review status: criteria provided, single submitter. Criteria: GeneDx Variant Classification Process June 2021. Collection method: clinical testing. Allele origin: germline. Affected: yes.
Comment: Published functional studies demonstrate a damaging effect, including decreased chaperone-like activity and impaired mitochondrial function in motor neurons (Nefedova et al., 2013; Kalmar et al., 2017); Not observed at significant frequency in large population cohorts (gnomAD); In silico analysis supports that this missense variant has a deleterious effect on protein structure/function; This variant is associated with the following publications: (PMID: 28000086, 26989944, 23643870, 27933579, 28389817, 15706088, 27816334, 26752306, 23379525, 28595321, 29547183, 32376792, 18832141, 28702508, 31561939)

Illumina Laboratory Services, Illumina
Classification: Pathogenic for HSPB1-related axonal neuropathies. Last evaluated: 2021-08-12. Review status: criteria provided, single submitter. Criteria: ICSLVariantClassificationCriteria RUGD 01 April 2020. Collection method: clinical testing. Allele origin: unknown.
Comment: The HSPB1 c.418C>G (p.Arg140Gly) variant is a missense variant. Across a selection of the available literature, the p.Arg140Gly variant has been identified in a heterozygous state in seven index cases from at least three diverse populations with late onset Charcot-Marie-Tooth disease or hereditary motor neuronopathy (Houlden et al. 2008; Luigetti et al. 2016; Tanabe et al. 2018; Peddareddygari et al. 2019). The p.Arg140Gly was noted to segregate with disease in seven affected family members across two generations in a large pedigree originating from the Gujarat region of India (Peddareddygari et al. 2019). The p.Arg140Gly variant has been reported in at least four additional families from this region, leading to speculation that it may be a founder variant in this group (Rosser et al 2017; Peddareddygari et al. 2019). The p.Arg140Gly variant is not found in version 2.1.1 or version 3.1.1 of the Genome Aggregation Database despite its location in a region of good sequence coverage, which suggests the variant is rare. The Arg140 residue is located within the beta 7 strand of a-crystallin domain of HspB1 protein and predicted to disrupt the quaternary structure of HspB1, decreasing its chaperone like activity (Nefedova et al. 2013). Experiments expressing the variant in a heterologous state using a lentiviral system in primary cultured mouse motor neurons showed that, in this model, p.Arg140Gly reduced the speed and altered the pausing frequency of retrograde axonal mitochondrial transport, leading to an increased vulnerability of these cells to oxidative stress (Kalmar et al. 2017). Based on the available evidence, the p.Arg140Gly variant is classified as pathogenic for HSPB1-related axonal neuropathies.

Ambry Genetics
Classification: Pathogenic for Inborn genetic diseases. Last evaluated: 2020-12-08. Review status: criteria provided, single submitter. Criteria: Ambry Variant Classification Scheme 2023. Collection method: clinical testing. Allele origin: germline.
Comment: The p.R140G variant (also known as c.418C>G), located in coding exon 2 of the HSPB1 gene, results from a C to G substitution at nucleotide position 418. The arginine at codon 140 is replaced by glycine, an amino acid with dissimilar properties. This alteration has been described in multiple unrelated individuals diagnosed with distal hereditary motor neuropathy (dHMN), Charcot-Marie-Tooth type 2 (CMT2), and a syndrome overlapping both dHMN/CMT2 clinical symptoms (Ghodasara MK et al. Neurol India;66:528-529; Houlden H et al. Neurology, 2008 Nov;71:1660-8; Luigetti M et al. Clin Neurol Neurosurg, 2016 May;144:67-71; Rossor AM et al. Neuromuscul Disord, 2017 Jan;27:50-56; Tanabe H et al. J Peripher Nerv Syst, 2018 03;23:40-48). A patient who presented with vacuolar myopathy and axonal motor neuropathy was described as homozygous for this alteration. Functional studies suggest this alteration impairs mitochondrial function and results in a reduction of chaperone-like activity (Kalmar B et al. Hum Mol Genet 2017 Sep; 26:3313-3326; Nefedova V et al. Biochimie 2013 Aug;95:1582-1592). Based on the supporting evidence, this alteration is interpreted as a disease-causing mutation.

Mayo Clinic Laboratories, Mayo Clinic
Classification: Pathogenic. Last evaluated: 2020-03-13. Review status: criteria provided, single submitter. Criteria: ACMG Guidelines, 2015. Collection method: clinical testing. Allele origin: germline. Observed: 1 variant allele.
Comment: PS3, PS4_moderate, PM1, PM2, PP4

Foundation for Research in Genetics and Endocrinology, FRIGE's Institute of Human Genetics
Classification: Pathogenic for Charcot-Marie-Tooth disease axonal type 2F. Last evaluated: 2019-08-27. Review status: criteria provided, single submitter. Criteria: ACMG Guidelines, 2015. Collection method: clinical testing. Allele origin: germline. Inheritance: Autosomal dominant inheritance. Affected: yes. Observed: 1 heterozygote.
Comment: A heterozygous missense variation in the exon 2 of the HSPB1 gene that results in the amino acid substitution of Glycine for Arginine at codon 140 was detected. The observed variant c.418C>G (p.Arg140Gly) has not been reported in 1000 genomes and ExAC databases. The in silico predictions of the variant are damaging by SIFT, LRT and MutationTaster2. The observed variant has previously been reported in patients affected with Charcot-Marie-Tooth disease type 2 (Holden et al 2008 Neurology). Furthermore, functional studies have shown that the said variant affects the quaternary structure and decreases the chaperon like activity of the protein (Nefedova et al 2013 Biochimie). In summary, the said variant meets our criteria to be classified as pathogenic.

Molecular Genetics Laboratory, London Health Sciences Centre
Classification: Pathogenic for Charcot-Marie-Tooth disease. Review status: criteria provided, single submitter. Criteria: ACMG Guidelines, 2015. Collection method: clinical testing. Allele origin: germline. Affected: yes.

OMIM
Classification: Pathogenic for NEURONOPATHY, DISTAL HEREDITARY MOTOR, AUTOSOMAL DOMINANT 3. Last evaluated: 2008-11-18. Review status: no assertion criteria provided. Collection method: literature only. Allele origin: germline. Not counted in ClinVar's aggregate classification.

Literature cited by the submitters: PubMed 18832141 (cited by 6 submitters); PubMed 27816334 (cited by 5 submitters); PubMed 28702508 (cited by 5 submitters); PubMed 23643870 (cited by 5 submitters); PubMed 28595321 (cited by 5 submitters); PubMed 29184351 (cited by Women's Health and Genetics/Laboratory Corporation of America, LabCorp); PubMed 28018906 (cited by Women's Health and Genetics/Laboratory Corporation of America, LabCorp); PubMed 23948568 (cited by Women's Health and Genetics/Laboratory Corporation of America, LabCorp); PubMed 35297556 (cited by Women's Health and Genetics/Laboratory Corporation of America, LabCorp); PubMed 29547183 (cited by 3 submitters); PubMed 29381233 (cited by 4 submitters); PubMed 26989944 (cited by 4 submitters); PubMed 24607769 (cited by Athena Diagnostics and Mayo Clinic Laboratories, Mayo Clinic); PubMed 26752306 (cited by Athena Diagnostics); PubMed 23530264 (cited by Athena Diagnostics); PubMed 27830184 (cited by Mayo Clinic Laboratories, Mayo Clinic); PubMed 26141737 (cited by Mayo Clinic Laboratories, Mayo Clinic).